The following is an entry in ClinVar:

NM_002334.4(LRP4):c.4109A>G (p.Asp1370Gly)

Gene: LRP4 (LDL receptor related protein 4; minus strand). Cytogenetic location: 11p11.2.
Variant type: single nucleotide variant.
Coding change: c.4109A>G on transcript NM_002334.4 (MANE Select); coding-DNA position 4109, A replaced by G.
Protein change: p.Asp1370Gly; replaces aspartic acid 1370 with glycine.
Molecular consequence: missense variant.
Genome position (GRCh38, 1-based): chr11:46,874,920, T>C on the plus strand (A>G on the coding strand, the complement: LRP4 is on the minus strand). VCF-style: chr11-46874920-T-C. GRCh37 (hg19) VCF-style: chr11-46896471-T-C.
Other names: short protein forms D1370G.
Identifiers: ClinVar variation 1429131 (VCV001429131.5), dbSNP rs1565782159, ClinGen allele CA380270830.

ClinVar aggregate classification (germline): Uncertain significance. Review status: criteria provided, multiple submitters, no conflicts (2 of 4 stars). 2 submissions from 2 submitters: Uncertain significance (2). Last evaluated 2024-10-28.

Conditions:
Cenani-Lenz syndactyly syndrome. Also called: SYNDACTYLY, TYPE VII; CENANI SYNDACTYLISM. Identifiers: Orphanet 3258, MedGen C1859309, MONDO:0008931, OMIM 212780.
Congenital myasthenic syndrome 17. Identifiers: Orphanet 590, MedGen C4225377, MONDO:0014578, OMIM 616304.
Sclerosteosis 2 (SOST2). Identifiers: Orphanet 3152, MedGen C3280402, MONDO:0013679, OMIM 614305.

Allele frequency attached by ClinVar (database versions not stated): gnomAD exomes below 0.00001; gnomAD 0.00001; TOPMed 0.00002.
gnomAD v4.1: 4 of 1,613,704 alleles (0.00025%); highest among the groups gnomAD compares: Admixed American, 0.0017%; no homozygotes.

Submissions (2):

Labcorp Genetics (formerly Invitae), Labcorp
Classification: Uncertain significance for Cenani-Lenz syndactyly syndrome; Sclerosteosis 2; Congenital myasthenic syndrome 17. Last evaluated: 2024-10-28. Review status: criteria provided, single submitter. Criteria: Invitae Variant Classification Sherloc (09022015). Collection method: clinical testing. Allele origin: germline.
Comment: This sequence change replaces aspartic acid, which is acidic and polar, with glycine, which is neutral and non-polar, at codon 1370 of the LRP4 protein (p.Asp1370Gly). This variant is not present in population databases (gnomAD no frequency). This variant has not been reported in the literature in individuals affected with LRP4-related conditions. ClinVar contains an entry for this variant (Variation ID: 1429131). Invitae Evidence Modeling of protein sequence and biophysical properties (such as structural, functional, and spatial information, amino acid conservation, physicochemical variation, residue mobility, and thermodynamic stability) indicates that this missense variant is not expected to disrupt LRP4 protein function with a negative predictive value of 80%. In summary, the available evidence is currently insufficient to determine the role of this variant in disease. Therefore, it has been classified as a Variant of Uncertain Significance.

Blueprint Genetics
Classification: Uncertain significance. Last evaluated: 2019-06-24. Review status: criteria provided, single submitter. Criteria: ACMG Guidelines, 2015. Collection method: clinical testing. Allele origin: germline.